The following is an entry in ClinVar:

NC_000016.10:g.(?_2048596)_(2098004_?)del

Genes: MIR1225 (microRNA 1225; minus strand), PKD1 (polycystin 1, transient receptor potential channel interacting; minus strand), TSC2 (TSC complex subunit 2; plus strand). Cytogenetic location: 16p13.3.
Variant type: Deletion.
Identifiers: ClinVar variation 833476 (VCV000833476.1).

ClinVar aggregate classification (germline): Pathogenic (1 of 4 stars; one submission).

Conditions:
Tuberous sclerosis 2 (TSC2). Identifiers: Orphanet 805, MedGen C1860707, MONDO:0013199, OMIM 613254.

Submission:

Labcorp Genetics (formerly Invitae), Labcorp
Classification: Pathogenic for Tuberous sclerosis 2. Last evaluated: 2019-05-29. Review status: criteria provided, single submitter. Criteria: Invitae Variant Classification Sherloc (09022015). Collection method: clinical testing. Allele origin: germline.
Comment: A gross deletion of the genomic region encompassing the full coding sequence of the TSC2 gene has been identified. The boundaries of this event are unknown as the deletion extends beyond the assayed region for this gene and therefore may encompass additional genes. Loss-of-function variants in TSC2 are known to be pathogenic. This particular variant has been reported in the literature in individuals affected with tuberous sclerosis complex (PMID: 17287951, 16114042). For these reasons, this variant has been classified as Pathogenic.

Literature cited by the submitters: PubMed 17287951; PubMed 16114042.